The following is an entry in ClinVar:

ClinVar aggregate classification (germline): Uncertain significance (1 of 4 stars; one submission).

Submission:

Women's Health and Genetics/Laboratory Corporation of America, LabCorp
Classification: Uncertain significance. Last evaluated: 2023-06-27. Review status: criteria provided, single submitter. Criteria: LabCorp Variant Classification Summary - May 2015. Collection method: clinical testing. Allele origin: germline.
Comment: Variant summary: ZNF462 c.6542_6544delCTG (p.Ala2181del) results in an in-frame deletion that is predicted to remove 1 amino acids from the encoded protein. The variant was absent in 251200 control chromosomes. The available data on variant occurrences in the general population are insufficient to allow any conclusion about variant significance. To our knowledge, no occurrence of c.6542_6544delCTG in individuals affected with Weiss-Kruszka Syndrome and no experimental evidence demonstrating its impact on protein function have been reported. No submitters have cited clinical-significance assessments for this variant to ClinVar after 2014. Based on the evidence outlined above, the variant was classified as uncertain significance.

NM_021224.6(ZNF462):c.6536CTG[2] (p.Ala2181del)

Gene: ZNF462 (zinc finger protein 462; plus strand). Cytogenetic location: 9q31.2.
Variant type: Microsatellite.
Coding change: c.6536CTG[2] on transcript NM_021224.6 (MANE Select); two copies in a row of the 3-base unit CTG starting at c.6536; the reference has three copies in a row; one copy, 3 bases deleted.
Protein change: p.Ala2181del; deletes alanine 2181.
Molecular consequence: inframe deletion.
Genome position (GRCh38, 1-based): chr9:106,972,119-106,972,121, CTG deleted; deleting any 3 consecutive bases within chr9:106,972,112-106,972,121 gives the same sequence; the position shown is the placement nearest the transcript's 3' end. VCF-style (leftmost placement, unchanged base first): chr9-106972111-GGCT-G. GRCh37 (hg19) VCF-style: chr9-109734392-GGCT-G.
Other names: c.3941CTG[2], p.Ala1316del (NM_001347997.2); short protein forms A1316del, A2181del.
Identifiers: ClinVar variation 2573602 (VCV002573602.1), dbSNP rs2539270484, ClinGen allele CA2580616279.